The following is an entry in ClinVar:

NM_004656.4(BAP1):c.422A>C (p.His141Pro)

Gene: BAP1 (BRCA1 associated deubiquitinase 1; minus strand). Cytogenetic location: 3p21.1.
Variant type: single nucleotide variant.
Coding change: c.422A>C on transcript NM_004656.4 (MANE Select); coding-DNA position 422, A replaced by C.
Protein change: p.His141Pro; replaces histidine 141 with proline.
Molecular consequence: missense variant.
Genome position (GRCh38, 1-based): chr3:52,407,414, T>G on the plus strand (A>C on the coding strand, the complement: BAP1 is on the minus strand). VCF-style: chr3-52407414-T-G. GRCh37 (hg19) VCF-style: chr3-52441430-T-G.
Other names: c.422A>C, p.His141Pro (NM_001410772.1); short protein forms H141P.
Identifiers: ClinVar variation 4741041 (VCV004741041.1).
Genomic context (GRCh38, chr3:52,407,414, plus strand): 5'-TCCCCCTACTCCCACCCCACATCAGCTCCCACAGCTCCCACACACCTGGCATGGCTATTA[T>G]GGGCCTTGGCCAACTCCGGGGCATTGCCAATCGCATATCCTTTGCTCTACGGGGAAGAAA-3'
Protein context (NP_004647.1, residues 131-151): IGNAPELAKA[His141Pro]NSHARPEPRH

ClinVar aggregate classification (germline): Uncertain significance (1 of 4 stars; one submission).

Conditions:
BAP1-related tumor predisposition syndrome (TPDS1). Also called: TUMOR PREDISPOSITION SYNDROME 1; BAP1 tumor predisposition syndrome; Tumor susceptibility linked to germline BAP1 mutations; COMMON Syndrome. Identifiers: Orphanet 289539, MedGen C3280492, MONDO:0013692, OMIM 614327.

Submission:

Labcorp Genetics (formerly Invitae), Labcorp
Classification: Uncertain significance for BAP1-related tumor predisposition syndrome. Last evaluated: 2025-10-07. Review status: criteria provided, single submitter. Criteria: Invitae Variant Classification Sherloc (09022015). Collection method: clinical testing. Allele origin: germline.
Comment: This sequence change replaces histidine, which is basic and polar, with proline, which is neutral and non-polar, at codon 141 of the BAP1 protein (p.His141Pro). This variant is not present in population databases (gnomAD no frequency). This variant has not been reported in the literature in individuals affected with BAP1-related conditions. Invitae Evidence Modeling of protein sequence and biophysical properties (such as structural, functional, and spatial information, amino acid conservation, physicochemical variation, residue mobility, and thermodynamic stability) indicates that this missense variant is expected to disrupt BAP1 protein function with a positive predictive value of 80%. In summary, the available evidence is currently insufficient to determine the role of this variant in disease. Therefore, it has been classified as a Variant of Uncertain Significance.